The following is an entry in ClinVar:

ClinVar aggregate classification (germline): Uncertain significance (1 of 4 stars; one submission).

Conditions:
LAMA2-related muscular dystrophy (LAMA2-RD). Also called: Laminin alpha 2-related dystrophy. Identifiers: MedGen C5679788, MONDO:0100228.

Allele frequency attached by ClinVar (database versions not stated): TOPMed 0.00001.
gnomAD v4.1: 2 of 1,614,140 alleles (0.00012%); highest among the groups gnomAD compares: Non-Finnish European, 0.000085%; no homozygotes.

Submission:

Labcorp Genetics (formerly Invitae), Labcorp
Classification: Uncertain significance for LAMA2-related muscular dystrophy. Last evaluated: 2021-09-01. Review status: criteria provided, single submitter. Criteria: Invitae Variant Classification Sherloc (09022015). Collection method: clinical testing. Allele origin: germline.
Comment: This sequence change replaces alanine with threonine at codon 2725 of the LAMA2 protein (p.Ala2725Thr). The alanine residue is weakly conserved and there is a small physicochemical difference between alanine and threonine. This variant is not present in population databases (ExAC no frequency). This variant has not been reported in the literature in individuals affected with LAMA2-related conditions. Algorithms developed to predict the effect of missense changes on protein structure and function output the following: SIFT: "Tolerated"; PolyPhen-2: "Benign"; Align-GVGD: "Class C0". The threonine amino acid residue is found in multiple mammalian species, which suggests that this missense change does not adversely affect protein function. In summary, the available evidence is currently insufficient to determine the role of this variant in disease. Therefore, it has been classified as a Variant of Uncertain Significance.

NM_000426.4(LAMA2):c.8173G>A (p.Ala2725Thr)

Gene: LAMA2 (laminin subunit alpha 2; plus strand). Cytogenetic location: 6q22.33.
Variant type: single nucleotide variant.
Coding change: c.8173G>A on transcript NM_000426.4 (MANE Select); coding-DNA position 8173, G replaced by A.
Protein change: p.Ala2725Thr; replaces alanine 2725 with threonine.
Molecular consequence: missense variant.
Genome position (GRCh38, 1-based): chr6:129,492,412, G>A. VCF-style: chr6-129492412-G-A. GRCh37 (hg19) VCF-style: chr6-129813557-G-A.
Other names: c.8161G>A, p.Ala2721Thr (NM_001079823.2); short protein forms A2721T, A2725T.
Identifiers: ClinVar variation 850963 (VCV000850963.8), dbSNP rs1784918096, ClinGen allele CA365631498.